The following is an entry in ClinVar:

ClinVar aggregate classification (germline): Uncertain significance (1 of 4 stars; one submission).

gnomAD v4.1: 3 of 1,613,868 alleles (0.00019%); highest among the groups gnomAD compares: Admixed American, 0.0033%; no homozygotes.

Submission:

Labcorp Genetics (formerly Invitae), Labcorp
Classification: Uncertain significance. Last evaluated: 2025-11-11. Review status: criteria provided, single submitter. Criteria: Invitae Variant Classification Sherloc (09022015). Collection method: clinical testing. Allele origin: germline.
Comment: This sequence change replaces proline, which is neutral and non-polar, with alanine, which is neutral and non-polar, at codon 108 of the NLRP1 protein (p.Pro108Ala). This variant is present in population databases (rs141118572, gnomAD 0.007%). This variant has not been reported in the literature in individuals affected with NLRP1-related conditions. An algorithm developed to predict the effect of missense changes on protein structure and function (PolyPhen-2) suggests that this variant is likely to be disruptive. In summary, the available evidence is currently insufficient to determine the role of this variant in disease. Therefore, it has been classified as a Variant of Uncertain Significance.

NM_033004.4(NLRP1):c.322C>G (p.Pro108Ala)

Gene: NLRP1 (NLR family pyrin domain containing 1; minus strand). Cytogenetic location: 17p13.2.
Variant type: single nucleotide variant.
Coding change: c.322C>G on transcript NM_033004.4 (MANE Select); coding-DNA position 322, C replaced by G.
Protein change: p.Pro108Ala; replaces proline 108 with alanine.
Molecular consequence: missense variant.
Genome position (GRCh38, 1-based): chr17:5,582,796, G>C on the plus strand (C>G on the coding strand, the complement: NLRP1 is on the minus strand). VCF-style: chr17-5582796-G-C. GRCh37 (hg19) VCF-style: chr17-5486116-G-C.
Other names: c.322C>G, p.Pro108Ala (NM_001033053.3, NM_014922.5, NM_033006.4 and 1 more transcripts); short protein forms P108A.
Identifiers: ClinVar variation 4699957 (VCV004699957.1).